The following is an entry in ClinVar:

ClinVar aggregate classification (germline): Uncertain significance (1 of 4 stars; one submission).

Conditions:
Granulomatous disease, chronic, autosomal recessive, cytochrome b-positive, type 3. Also called: CGD, AUTOSOMAL RECESSIVE CYTOCHROME b-POSITIVE, TYPE III; GRANULOMATOUS DISEASE, CHRONIC, DUE TO NCF4 DEFICIENCY; GRANULOMATOUS DISEASE, CHRONIC, AUTOSOMAL RECESSIVE, 3; Granulomatous disease, chronic, autosomal recessive, cytochrome b-positive, type III. Identifiers: Orphanet 379, MedGen C3151409, MONDO:0013507, OMIM 613960.

Allele frequency attached by ClinVar (database versions not stated): TOPMed below 0.00001.

Submission:

Labcorp Genetics (formerly Invitae), Labcorp
Classification: Uncertain significance for Granulomatous disease, chronic, autosomal recessive, cytochrome b-positive, type 3. Last evaluated: 2022-01-07. Review status: criteria provided, single submitter. Criteria: Invitae Variant Classification Sherloc (09022015). Collection method: clinical testing. Allele origin: germline.
Comment: In summary, the available evidence is currently insufficient to determine the role of this variant in disease. Therefore, it has been classified as a Variant of Uncertain Significance. This sequence change replaces phenylalanine, which is neutral and non-polar, with leucine, which is neutral and non-polar, at codon 321 of the NCF4 protein (p.Phe321Leu). This variant is not present in population databases (gnomAD no frequency). This variant has not been reported in the literature in individuals affected with NCF4-related conditions. Algorithms developed to predict the effect of missense changes on protein structure and function (SIFT, PolyPhen-2, Align-GVGD) all suggest that this variant is likely to be tolerated.

NM_000631.5(NCF4):c.759-43T>C

Gene: NCF4 (neutrophil cytosolic factor 4; plus strand). Cytogenetic location: 22q12.3.
Variant type: single nucleotide variant.
Coding change: c.759-43T>C on transcript NM_000631.5 (MANE Select); 43 bases into the intron before coding-DNA position 759, T replaced by C.
Molecular consequence: intron variant. On other transcripts: missense variant (1).
Genome position (GRCh38, 1-based): chr22:36,875,986, T>C. VCF-style: chr22-36875986-T-C. GRCh37 (hg19) VCF-style: chr22-37272028-T-C.
Other names: c.961T>C, p.Phe321Leu (NM_013416.4); short protein forms F321L.
Identifiers: ClinVar variation 2076918 (VCV002076918.4), dbSNP rs1940184487, ClinGen allele CA411390171.